The following is an entry in ClinVar:

NM_001354604.2(MITF):c.524G>C (p.Ser175Thr)

Gene: MITF (melanocyte inducing transcription factor; plus strand). Cytogenetic location: 3p13.
Variant type: single nucleotide variant.
Coding change: c.524G>C on transcript NM_001354604.2 (MANE Select); coding-DNA position 524, G replaced by C.
Protein change: p.Ser175Thr; replaces serine 175 with threonine.
Molecular consequence: missense variant. On other transcripts: intron variant (1).
Genome position (GRCh38, 1-based): chr3:69,937,991, G>C. VCF-style: chr3-69937991-G-C. GRCh37 (hg19) VCF-style: chr3-69987142-G-C.
Other names: c.203G>C, p.Ser68Thr (NM_000248.4, NM_001184968.2, NM_198158.3); c.368G>C, p.Ser123Thr (NM_001184967.2, NM_001354608.2); c.521G>C, p.Ser174Thr (NM_001354605.2, NM_001354606.2, NM_006722.3); c.473G>C, p.Ser158Thr (NM_001354607.2); c.524G>C, p.Ser175Thr (NM_198159.3); c.476G>C, p.Ser159Thr (NM_198177.3); c.93+110G>C (NM_198178.3); short protein forms S175T, S123T, S159T, S174T, S68T, S158T.
Identifiers: ClinVar variation 4825811 (VCV004825811.1).

ClinVar aggregate classification (germline): Uncertain significance (1 of 4 stars; one submission).

Conditions:
Hereditary cancer-predisposing syndrome. Also called: Neoplastic Syndromes, Hereditary; Tumor predisposition; Hereditary Cancer Syndrome; Hereditary neoplastic syndrome. Identifiers: Orphanet 140162, MedGen C0027672, MeSH D009386, MONDO:0015356.

Submission:

Ambry Genetics
Classification: Uncertain significance for Hereditary cancer-predisposing syndrome. Last evaluated: 2026-03-12. Review status: criteria provided, single submitter. Criteria: Ambry Variant Classification Scheme 2023. Collection method: clinical testing. Allele origin: germline.
Comment: The p.S68T variant (also known as c.203G>C), located in coding exon 2 of the MITF gene, results from a G to C substitution at nucleotide position 203. The serine at codon 68 is replaced by threonine, an amino acid with similar properties. This amino acid position is conserved. In addition, this alteration is predicted to be tolerated by in silico analysis. Based on the available evidence, the clinical significance of this variant remains unclear.